The following is an entry in ClinVar:

ClinVar aggregate classification (germline): Uncertain significance. Review status: criteria provided, multiple submitters, no conflicts (2 of 4 stars). 2 submissions from 2 submitters: Uncertain significance (2). Last evaluated 2024-12-14.

Conditions:
Norman-Roberts syndrome (LIS2). Also called: Lissencephaly 2 (Norman-Roberts type). Identifiers: Orphanet 89844, MedGen C0796089, MONDO:0009760, OMIM 257320.
Familial temporal lobe epilepsy 7. Identifiers: Orphanet 101046, MedGen C4225327, MONDO:0014639, OMIM 616436.

Submissions (2):

GeneDx
Classification: Uncertain significance. Last evaluated: 2024-12-14. Review status: criteria provided, single submitter. Criteria: GeneDx Variant Classification Process June 2021. Collection method: clinical testing. Allele origin: germline. Affected: yes.
Comment: Not observed at significant frequency in large population cohorts (gnomAD); In silico analysis supports that this missense variant has a deleterious effect on protein structure/function; Has not been previously published as pathogenic or benign to our knowledge

Labcorp Genetics (formerly Invitae), Labcorp
Classification: Uncertain significance for Familial temporal lobe epilepsy 7; Norman-Roberts syndrome. Last evaluated: 2023-10-04. Review status: criteria provided, single submitter. Criteria: Invitae Variant Classification Sherloc (09022015). Collection method: clinical testing. Allele origin: germline.
Comment: This sequence change replaces tryptophan, which is neutral and slightly polar, with arginine, which is basic and polar, at codon 3418 of the RELN protein (p.Trp3418Arg). This variant is not present in population databases (gnomAD no frequency). This variant has not been reported in the literature in individuals affected with RELN-related conditions. Advanced modeling of protein sequence and biophysical properties (such as structural, functional, and spatial information, amino acid conservation, physicochemical variation, residue mobility, and thermodynamic stability) performed at Invitae indicates that this missense variant is not expected to disrupt RELN protein function. In summary, the available evidence is currently insufficient to determine the role of this variant in disease. Therefore, it has been classified as a Variant of Uncertain Significance.

NM_005045.4(RELN):c.10252T>C (p.Trp3418Arg)

Genes: RELN (reelin; minus strand), SLC26A5-AS1 (SLC26A5 antisense RNA 1; plus strand). Cytogenetic location: 7q22.1.
Variant type: single nucleotide variant.
Coding change: c.10252T>C on transcript NM_005045.4 (MANE Select); coding-DNA position 10252, T replaced by C.
Protein change: p.Trp3418Arg; replaces tryptophan 3418 with arginine.
Molecular consequence: missense variant.
Genome position (GRCh38, 1-based): chr7:103,482,901, A>G on the plus strand (T>C on the coding strand, the complement: RELN is on the minus strand). VCF-style: chr7-103482901-A-G. GRCh37 (hg19) VCF-style: chr7-103123348-A-G.
Other names: c.10252T>C, p.Trp3418Arg (NM_173054.3); c.10252T>C (NM_005045.3); short protein forms W3418R.
Identifiers: ClinVar variation 2952467 (VCV002952467.4), dbSNP rs2485686457, ClinGen allele CA368737377.
Genomic context (GRCh38, chr7:103,482,901, plus strand): 5'-TGGACATGGGATGCCATGTAATAGATACTCACAGGACGACCTCCACATGGTCCAAAGCCC[A>G]TTGATCATGACCTGTTCCATTGTGGCGTGGTTGCCACCAGCGCAGTAAGACTCCTTTCAT-3'
Protein context (NP_005036.2, residues 3408-3428): PRHNGTGHDQ[Trp3418Arg]ALDHVEVVLV